The following is an entry in ClinVar:

NM_133259.4(LRPPRC):c.4074T>C (p.Arg1358=)

Gene: LRPPRC (leucine rich pentatricopeptide repeat containing; minus strand). Cytogenetic location: 2p21.
Variant type: single nucleotide variant.
Coding change: c.4074T>C on transcript NM_133259.4 (MANE Select); coding-DNA position 4074, T replaced by C.
Protein change: p.Arg1358=; no amino-acid change (arginine 1358 retained).
Molecular consequence: synonymous variant.
Genome position (GRCh38, 1-based): chr2:43,889,788, A>G on the plus strand (T>C on the coding strand, the complement: LRPPRC is on the minus strand). VCF-style: chr2-43889788-A-G. GRCh37 (hg19) VCF-style: chr2-44116927-A-G.
Identifiers: ClinVar variation 755923 (VCV000755923.12), dbSNP rs746573924, ClinGen allele CA1637823.

ClinVar aggregate classification (germline): Likely benign. Review status: criteria provided, multiple submitters, no conflicts (2 of 4 stars). 4 submissions from 4 submitters: Likely benign (2). 2 of the submissions do not count toward it. Last evaluated 2024-10-21.

Conditions:
Congenital lactic acidosis, Saguenay-Lac-Saint-Jean type (MC4DN5). Also called: CYTOCHROME c OXIDASE DEFICIENCY, FRENCH CANADIAN TYPE; COX DEFICIENCY, FRENCH CANADIAN TYPE; MITOCHONDRIAL COMPLEX IV DEFICIENCY, NUCLEAR TYPE 5. Identifiers: Orphanet 70472, MedGen C1857355, MONDO:0009069, OMIM 220111.
LRPPRC-related disorder. Also called: LRPPRC-related condition.

Allele frequency attached by ClinVar (database versions not stated): gnomAD exomes below 0.00001; ExAC 0.00001.
gnomAD v4.1: 5 of 1,612,280 alleles (0.00031%); highest among the groups gnomAD compares: Middle Eastern, 0.033%; no homozygotes.

Submissions (4):

Labcorp Genetics (formerly Invitae), Labcorp
Classification: Likely benign. Last evaluated: 2024-10-21. Review status: criteria provided, single submitter. Criteria: Invitae Variant Classification Sherloc (09022015). Collection method: clinical testing. Allele origin: germline.

Breakthrough Genomics
Classification: Likely benign. Review status: criteria provided, single submitter. Criteria: ACMG Guidelines, 2015. Collection method: not provided. Allele origin: germline. Inheritance: Autosomal recessive inheritance. Affected: yes.

Natera, Inc.
Classification: Likely benign for French-Canadian type Leigh syndrome. Last evaluated: 2020-09-16. Review status: no assertion criteria provided. Collection method: clinical testing. Allele origin: germline. Not counted in ClinVar's aggregate classification.

PreventionGenetics, part of Exact Sciences
Classification: Likely benign for LRPPRC-related condition. Last evaluated: 2019-10-01. Review status: no assertion criteria provided. Collection method: clinical testing. Allele origin: germline. Not counted in ClinVar's aggregate classification.
Comment: This variant is classified as likely benign based on ACMG/AMP sequence variant interpretation guidelines (Richards et al. 2015 PMID: 25741868, with internal and published modifications).